The following is an entry in ClinVar:

NM_000094.4(COL7A1):c.1777C>T (p.Arg593Trp)

Gene: COL7A1 (collagen type VII alpha 1 chain; minus strand). Cytogenetic location: 3p21.31.
Variant type: single nucleotide variant.
Coding change: c.1777C>T on transcript NM_000094.4 (MANE Select); coding-DNA position 1777, C replaced by T.
Protein change: p.Arg593Trp; replaces arginine 593 with tryptophan.
Molecular consequence: missense variant.
Genome position (GRCh38, 1-based): chr3:48,590,676, G>A on the plus strand (C>T on the coding strand, the complement: COL7A1 is on the minus strand). VCF-style: chr3-48590676-G-A. GRCh37 (hg19) VCF-style: chr3-48628109-G-A.
Other names: short protein forms R593W.
Identifiers: ClinVar variation 903452 (VCV000903452.11), dbSNP rs202239292, ClinGen allele CA2381123.

ClinVar aggregate classification (germline): Uncertain significance. Review status: criteria provided, multiple submitters, no conflicts (2 of 4 stars). 4 submissions from 4 submitters: Uncertain significance (4). Last evaluated 2025-11-28.

Conditions:
COL7A1-related disorder. Also called: COL7A1-related condition; COL7A1- related disorders.
Epidermolysis bullosa dystrophica. Also called: Dystrophic epidermolysis bullosa, Hallopeau-Siemens type (formerly); Dystrophic epidermolysis bullosa. Identifiers: Orphanet 303, MedGen C0079294, MONDO:0006543.
Inborn genetic diseases. Identifiers: MedGen C0950123, MeSH D030342.

Allele frequency attached by ClinVar (database versions not stated): TOPMed 0.00003; ExAC 0.00004; gnomAD 0.00004 and 0.00005; gnomAD exomes 0.00004 and 0.00008; 1000 Genomes Project 30x 0.00031; 1000 Genomes Project 0.00040.

Submissions (4):

Labcorp Genetics (formerly Invitae), Labcorp
Classification: Uncertain significance. Last evaluated: 2025-11-28. Review status: criteria provided, single submitter. Criteria: Invitae Variant Classification Sherloc (09022015). Collection method: clinical testing. Allele origin: germline.
Comment: This sequence change replaces arginine, which is basic and polar, with tryptophan, which is neutral and slightly polar, at codon 593 of the COL7A1 protein (p.Arg593Trp). This variant is present in population databases (rs202239292, gnomAD 0.008%). This variant has not been reported in the literature in individuals affected with COL7A1-related conditions. ClinVar contains an entry for this variant (Variation ID: 903452). Invitae Evidence Modeling of protein sequence and biophysical properties (such as structural, functional, and spatial information, amino acid conservation, physicochemical variation, residue mobility, and thermodynamic stability) indicates that this missense variant is not expected to disrupt COL7A1 protein function with a negative predictive value of 95%. In summary, the available evidence is currently insufficient to determine the role of this variant in disease. Therefore, it has been classified as a Variant of Uncertain Significance.

Ambry Genetics
Classification: Uncertain significance for Inborn genetic diseases. Last evaluated: 2025-03-27. Review status: criteria provided, single submitter. Criteria: Ambry Variant Classification Scheme 2023. Collection method: clinical testing. Allele origin: germline.

PreventionGenetics, part of Exact Sciences
Classification: Uncertain significance for COL7A1-related condition. Last evaluated: 2025-03-05. Review status: criteria provided, single submitter. Criteria: ACMG Guidelines, 2015. Collection method: clinical testing. Allele origin: germline.
Comment: The COL7A1 c.1777C>T variant is predicted to result in the amino acid substitution p.Arg593Trp. To our knowledge, this variant has not been reported in the literature. This variant is reported in 0.0085% of alleles in individuals of European (Non-Finnish) descent in gnomAD. At this time, the clinical significance of this variant is uncertain due to the absence of conclusive functional and genetic evidence.

Illumina Laboratory Services, Illumina
Classification: Uncertain significance for Dystrophic epidermolysis bullosa. Last evaluated: 2018-01-13. Review status: criteria provided, single submitter. Criteria: ICSL Variant Classification Criteria 13 December 2019. Collection method: clinical testing. Allele origin: germline.